The following is an entry in ClinVar:

NM_002734.5(PRKAR1A):c.330G>A (p.Ala110=)

Gene: PRKAR1A (protein kinase cAMP-dependent type I regulatory subunit alpha; plus strand). Cytogenetic location: 17q24.2.
Variant type: single nucleotide variant.
Coding change: c.330G>A on transcript NM_002734.5 (MANE Select); coding-DNA position 330, G replaced by A.
Protein change: p.Ala110=; no amino-acid change (alanine 110 retained).
Molecular consequence: synonymous variant.
Genome position (GRCh38, 1-based): chr17:68,522,908, G>A. VCF-style: chr17-68522908-G-A. GRCh37 (hg19) VCF-style: chr17-66519049-G-A.
Other names: c.330G>A, p.Ala110= (NM_001276289.2, NM_001276290.1, NM_001278433.2 and 4 more transcripts).
Identifiers: ClinVar variation 469061 (VCV000469061.20), dbSNP rs371834376, ClinGen allele CA8729209.
Genomic context (GRCh38, chr17:68,522,908, plus strand): 5'-GGTTAAAGGTAGGAGGCGACGAGGTGCTATCAGCGCTGAGGTCTACACGGAGGAAGATGC[G>A]GCATCCTATGTTAGAAAGGTAGTTTTGATATTTGAATATCGGGGGGATGCTTTTGGGACC-3'
Protein context (NP_002725.1, residues 100-120): ISAEVYTEED[Ala110=]ASYVRKVIPK

ClinVar aggregate classification (germline): Benign/Likely benign. Review status: criteria provided, multiple submitters, no conflicts (2 of 4 stars). 6 submissions from 6 submitters: Benign (2); Likely benign (4). Last evaluated 2026-07-01.

Conditions:
Hereditary cancer-predisposing syndrome. Also called: Hereditary neoplastic syndrome; Tumor predisposition; Neoplastic Syndromes, Hereditary; Hereditary Cancer Syndrome. Identifiers: Orphanet 140162, MedGen C0027672, MeSH D009386, MONDO:0015356.
Carney complex, type 1 (CNC1). Also called: CARNEY MYXOMA-ENDOCRINE COMPLEX; CARNEY COMPLEX, TYPE I. Identifiers: Orphanet 1359, MedGen C2607929, MONDO:0008057, OMIM 160980.

Allele frequency attached by ClinVar (database versions not stated): gnomAD exomes 0.00004 and 0.00005; ExAC 0.00005; ESP Exome Variant Server 0.00008; gnomAD 0.00014 and 0.00016; TOPMed 0.00016.
gnomAD v4.1: 91 of 1,613,636 alleles (0.0056%); highest among the groups gnomAD compares: African/African-American, 0.043%; no homozygotes.

Submissions (6):

CeGaT Center for Human Genetics Tuebingen
Classification: Likely benign. Last evaluated: 2026-07-01. Review status: criteria provided, single submitter. Criteria: CeGaT Center For Human Genetics Tuebingen Variant Classification Criteria Version 2. Collection method: clinical testing. Allele origin: germline. Affected: yes. Observed: 1 variant allele.
Comment: PRKAR1A: BP4, BP7

Labcorp Genetics (formerly Invitae), Labcorp
Classification: Likely benign for Carney complex, type 1. Last evaluated: 2026-01-19. Review status: criteria provided, single submitter. Criteria: Invitae Variant Classification Sherloc (09022015). Collection method: clinical testing. Allele origin: germline.

Blueprint Genetics
Classification: Likely benign. Last evaluated: 2024-10-24. Review status: criteria provided, single submitter. Criteria: ACMG Guidelines, 2015. Collection method: clinical testing. Allele origin: germline.

Sema4
Classification: Benign for Hereditary cancer-predisposing syndrome. Last evaluated: 2021-06-16. Review status: criteria provided, single submitter. Criteria: Sema4 Curation Guidelines. Collection method: curation. Allele origin: germline.

Women's Health and Genetics/Laboratory Corporation of America, LabCorp
Classification: Benign. Last evaluated: 2019-06-18. Review status: criteria provided, single submitter. Criteria: LabCorp Variant Classification Summary - May 2015. Collection method: clinical testing. Allele origin: germline.

Ambry Genetics
Classification: Likely benign for Hereditary cancer-predisposing syndrome. Last evaluated: 2017-08-09. Review status: criteria provided, single submitter. Criteria: Ambry Variant Classification Scheme 2023. Collection method: clinical testing. Allele origin: germline.